The following is an entry in ClinVar:

ClinVar aggregate classification (germline): Pathogenic (1 of 4 stars; one submission).

Conditions:
Joubert syndrome 22 (JBTS22). Identifiers: Orphanet 2754, MedGen C3810278, MONDO:0014297, OMIM 615665.

Submission:

Labcorp Genetics (formerly Invitae), Labcorp
Classification: Pathogenic for Joubert syndrome 22. Last evaluated: 2022-06-01. Review status: criteria provided, single submitter. Criteria: Invitae Variant Classification Sherloc (09022015). Collection method: clinical testing. Allele origin: germline.
Comment: This variant has not been reported in the literature in individuals affected with PDE6D-related conditions. This variant is not present in population databases (gnomAD no frequency). This sequence change creates a premature translational stop signal (p.Glu114Aspfs*4) in the PDE6D gene. While this is not anticipated to result in nonsense mediated decay, it is expected to disrupt the last 37 amino acid(s) of the PDE6D protein. Algorithms developed to predict the effect of sequence changes on RNA splicing suggest that this variant may disrupt the consensus splice site. For these reasons, this variant has been classified as Pathogenic. This variant disrupts a region of the PDE6D protein in which other variant(s) (p.Leu123Cysfs*13) have been determined to be pathogenic (PMID: 30423442). This suggests that this is a clinically significant region of the protein, and that variants that disrupt it are likely to be disease-causing.

Literature cited by the submitters: PubMed 30423442.

NM_002601.4(PDE6D):c.342del (p.Glu114fs)

Gene: PDE6D (phosphodiesterase 6D; minus strand). Cytogenetic location: 2q37.1.
Variant type: Deletion.
Coding change: c.342del on transcript NM_002601.4 (MANE Select); coding-DNA position 342, one base deleted (G; older notation c.342delG).
Protein change: p.Glu114fs; shifts the reading frame from glutamic acid 114.
Molecular consequence: frameshift variant. On other transcripts: intron variant (1).
Genome position (GRCh38, 1-based): chr2:231,737,216, C deleted on the plus strand (G on the coding strand, the reverse complement: PDE6D is on the minus strand). VCF-style (leftmost placement, unchanged base first): chr2-231737215-AC-A. GRCh37 (hg19) VCF-style: chr2-232601925-AC-A.
Other names: c.265+797del (NM_001291018.2); short protein forms E114fs.
Identifiers: ClinVar variation 2001656 (VCV002001656.4), dbSNP rs2469686850, ClinGen allele CA2580065998.